The following is an entry in ClinVar:

NM_182931.3(KMT2E):c.3313_3314dup (p.Cys1106fs)

Gene: KMT2E (lysine methyltransferase 2E (inactive); plus strand). Cytogenetic location: 7q22.3.
Variant type: Duplication.
Coding change: c.3313_3314dup on transcript NM_182931.3 (MANE Select); coding-DNA positions 3313 to 3314, 2 bases duplicated (AA; older notation c.3313_3314dupAA).
Protein change: p.Cys1106fs; shifts the reading frame from cysteine 1106.
Molecular consequence: frameshift variant.
Genome position (GRCh38, 1-based): chr7:105,107,770-105,107,771, AA duplicated; duplicating any 2 consecutive bases within chr7:105,107,769-105,107,771 gives the same sequence; the c. name uses the placement nearest the transcript's 3' end. VCF-style (leftmost placement, unchanged base first): chr7-105107768-C-CAA. GRCh37 (hg19) VCF-style: chr7-104748215-C-CAA.
Other names: c.3313_3314dup, p.Cys1106Serfs (NM_001410908.1); c.3313_3314dup, p.Cys1106fs (NM_018682.4); short protein forms C1106fs.
Identifiers: ClinVar variation 1998886 (VCV001998886.4), dbSNP rs2536510463, ClinGen allele CA2580076093.

ClinVar aggregate classification (germline): Pathogenic (1 of 4 stars; one submission).

Submission:

Labcorp Genetics (formerly Invitae), Labcorp
Classification: Pathogenic. Last evaluated: 2024-06-03. Review status: criteria provided, single submitter. Criteria: Invitae Variant Classification Sherloc (09022015). Collection method: clinical testing. Allele origin: germline.
Comment: This sequence change creates a premature translational stop signal (p.Cys1106Serfs*3) in the KMT2E gene. It is expected to result in an absent or disrupted protein product. Loss-of-function variants in KMT2E are known to be pathogenic (PMID: 31079897). This variant is not present in population databases (gnomAD no frequency). This variant has not been reported in the literature in individuals affected with KMT2E-related conditions. ClinVar contains an entry for this variant (Variation ID: 1998886). For these reasons, this variant has been classified as Pathogenic.

Literature cited by the submitters: PubMed 31079897.